The following is an entry in ClinVar:

ClinVar aggregate classification (germline): Uncertain significance (1 of 4 stars; one submission).

Allele frequency attached by ClinVar (database versions not stated): gnomAD exomes below 0.00001; gnomAD 0.00001; ExAC 0.00002.
gnomAD v4.1: 7 of 1,613,222 alleles (0.00043%); highest among the groups gnomAD compares: South Asian, 0.0055%; no homozygotes.

Submission:

Labcorp Genetics (formerly Invitae), Labcorp
Classification: Uncertain significance. Last evaluated: 2022-09-09. Review status: criteria provided, single submitter. Criteria: Invitae Variant Classification Sherloc (09022015). Collection method: clinical testing. Allele origin: germline.
Comment: In summary, the available evidence is currently insufficient to determine the role of this variant in disease. Therefore, it has been classified as a Variant of Uncertain Significance. Advanced modeling of protein sequence and biophysical properties (such as structural, functional, and spatial information, amino acid conservation, physicochemical variation, residue mobility, and thermodynamic stability) performed at Invitae indicates that this missense variant is expected to disrupt CRAT protein function. This variant has not been reported in the literature in individuals affected with CRAT-related conditions. This variant is present in population databases (rs751985419, gnomAD 0.02%). This sequence change replaces leucine, which is neutral and non-polar, with proline, which is neutral and non-polar, at codon 607 of the CRAT protein (p.Leu607Pro).

NM_000755.5(CRAT):c.1820T>C (p.Leu607Pro)

Gene: CRAT (carnitine O-acetyltransferase; minus strand). Cytogenetic location: 9q34.11.
Variant type: single nucleotide variant.
Coding change: c.1820T>C on transcript NM_000755.5 (MANE Select); coding-DNA position 1820, T replaced by C.
Protein change: p.Leu607Pro; replaces leucine 607 with proline.
Molecular consequence: missense variant.
Genome position (GRCh38, 1-based): chr9:129,095,458, A>G on the plus strand (T>C on the coding strand, the complement: CRAT is on the minus strand). VCF-style: chr9-129095458-A-G. GRCh37 (hg19) VCF-style: chr9-131857737-A-G.
Other names: c.1757T>C, p.Leu586Pro (NM_001257363.3, NM_004003.4); c.1823T>C, p.Leu608Pro (NM_001346546.2); c.1748T>C, p.Leu583Pro (NM_001346547.2); c.1685T>C, p.Leu562Pro (NM_001346548.2); c.1700T>C, p.Leu567Pro (NM_001346549.2); short protein forms L586P, L608P, L562P, L607P, L567P, L583P.
Identifiers: ClinVar variation 1913545 (VCV001913545.5), dbSNP rs751985419, ClinGen allele CA5275232.